The following is an entry in ClinVar:

NM_015166.4(MLC1):c.136del (p.Cys46fs)

Gene: MLC1 (modulator of VRAC current 1; minus strand). Cytogenetic location: 22q13.33.
Variant type: Deletion.
Coding change: c.136del on transcript NM_015166.4 (MANE Select); coding-DNA position 136, one base deleted (T; older notation c.136delT).
Protein change: p.Cys46fs; shifts the reading frame from cysteine 46.
Molecular consequence: frameshift variant. On other transcripts: non-coding transcript variant (3), intron variant (1).
Genome position (GRCh38, 1-based): chr22:50,084,767, A deleted on the plus strand (T on the coding strand, the reverse complement: MLC1 is on the minus strand). VCF-style (leftmost placement, unchanged base first): chr22-50084766-CA-C. GRCh37 (hg19) VCF-style: chr22-50523195-CA-C.
Other names: c.136delT (NM_015166.3); c.136del, p.Cys46fs (NM_001376472.1, NM_001376473.1, NM_001376474.1 and 10 more transcripts); c.-59+588del (NM_001376484.1); c.136del (NM_015166.3); short protein forms C46fs.
Identifiers: ClinVar variation 370785 (VCV000370785.17), dbSNP rs1057516766, ClinGen allele CA16042030.

ClinVar aggregate classification (germline): Pathogenic. Review status: criteria provided, multiple submitters, no conflicts (2 of 4 stars). 5 submissions from 5 submitters: Pathogenic (4). 1 of the submissions does not count toward it. Last evaluated 2025-07-04.

Conditions:
Megalencephalic leukoencephalopathy with subcortical cysts. Also called: VAN DER KNAAP DISEASE. Identifiers: Orphanet 2478, MedGen C1858854, MONDO:0011391.
Megalencephalic leukoencephalopathy with subcortical cysts 1 (MLC1). Also called: LEUKOENCEPHALOPATHY WITH SWELLING AND CYSTS; VACUOLATING MEGALENCEPHALIC LEUKOENCEPHALOPATHY WITH SUBCORTICAL CYSTS. Identifiers: Orphanet 2478, MedGen C5779875, MONDO:0024555, OMIM 604004.

Allele frequency attached by ClinVar (database versions not stated): gnomAD exomes below 0.00001; gnomAD 0.00001; TOPMed 0.00001.

Submissions (5):

GeneDx
Classification: Pathogenic. Last evaluated: 2025-07-04. Review status: criteria provided, single submitter. Criteria: GeneDx Variant Classification Process June 2021. Collection method: clinical testing. Allele origin: germline. Affected: yes.
Comment: Has been reported, as c.136delT, in the apparent homozygous state in patients with features of MLC1-related megalencephalic leukoencephalopathy in the literature, and not observed in homozygous state in controls (PMID: 19168821, 25497041); Frameshift variant predicted to result in protein truncation or nonsense mediated decay in a gene for which loss of function is a known mechanism of disease; Not observed at significant frequency in large population cohorts (gnomAD); This variant is associated with the following publications: (PMID: 37597066, 19168821, 25497041)

Labcorp Genetics (formerly Invitae), Labcorp
Classification: Pathogenic. Last evaluated: 2024-11-11. Review status: criteria provided, single submitter. Criteria: Invitae Variant Classification Sherloc (09022015). Collection method: clinical testing. Allele origin: germline.
Comment: This sequence change creates a premature translational stop signal (p.Cys46Alafs*12) in the MLC1 gene. It is expected to result in an absent or disrupted protein product. Loss-of-function variants in MLC1 are known to be pathogenic (PMID: 11254442, 16470554, 24824219). This variant is present in population databases (no rsID available, gnomAD 0.01%). This premature translational stop signal has been observed in individual(s) with megalencephalic leukoencephalopathy with subcortical cysts (PMID: 19168821). ClinVar contains an entry for this variant (Variation ID: 370785). For these reasons, this variant has been classified as Pathogenic.

Natera, Inc.
Classification: Pathogenic for Megalencephalic leukoencephalopathy with subcortical cysts. Last evaluated: 2024-05-31. Review status: criteria provided, single submitter. Criteria: Natera Variant Classification Schema (03/2026). Collection method: clinical testing. Allele origin: germline.
Comment: The c.136delT variant in MLC1 is a frameshift variant predicted to shift the reading frame beginning at codon 46 and leads to a stop codon 12 codons downstream. This variant is expected to result in nonsense mediated decay, truncation, or a dysfunctional protein product. This variant is rare in the general population with a frequency below the threshold expected for the associated phenotype(s). This variant has been observed in one or more individuals affected with the associated recessive disease, as either homozygous or compound heterozygous with a second variant (PMID: 25497041). Given the available evidence, this variant is classified as Pathogenic.

Laboratorio de Genetica e Diagnostico Molecular, Hospital Israelita Albert Einstein
Classification: Pathogenic for Megalencephalic leukoencephalopathy with subcortical cysts 1. Last evaluated: 2022-07-04. Review status: criteria provided, single submitter. Criteria: ACMG Guidelines, 2015. Collection method: clinical testing. Allele origin: germline. Affected: yes. Observed: 1 variant allele.
Comment: ACMG classification criteria: PVS1 very strong, PS4 moderated, PM2 moderated, PM3 supporting

Counsyl
Classification: Likely pathogenic for Megalencephalic leukoencephalopathy with subcortical cysts 1. Last evaluated: 2016-04-13. Review status: no assertion criteria provided. Collection method: clinical testing. Allele origin: unknown. Not counted in ClinVar's aggregate classification.

Literature cited by the submitters: PubMed 11254442 (cited by Labcorp Genetics (formerly Invitae), Labcorp); PubMed 16470554 (cited by Labcorp Genetics (formerly Invitae), Labcorp); PubMed 24824219 (cited by Labcorp Genetics (formerly Invitae), Labcorp); PubMed 19168821 (cited by Labcorp Genetics (formerly Invitae), Labcorp and Counsyl); PubMed 25497041 (cited by Natera, Inc. and Counsyl).